The following is an entry in ClinVar:

NM_152564.5(VPS13B):c.6866-2A>G

Gene: VPS13B (vacuolar protein sorting 13 homolog B; plus strand). Cytogenetic location: 8q22.2.
Variant type: single nucleotide variant.
Coding change: c.6866-2A>G on transcript NM_152564.5 (MANE Select); the canonical splice acceptor site of the intron before coding-DNA position 6866, A replaced by G.
Molecular consequence: splice acceptor variant.
Genome position (GRCh38, 1-based): chr8:99,720,861, A>G. VCF-style: chr8-99720861-A-G. GRCh37 (hg19) VCF-style: chr8-100733089-A-G.
Other names: c.6941-2A>G (NM_017890.5).
Identifiers: ClinVar variation 4063139 (VCV004063139.2).
Genomic context (GRCh38, chr8:99,720,861, plus strand): 5'-CTTTTTCCCCTTTGTCATGTTCCCCTTTAAATCATACAATTAATTATACTTTTATTTGAC[A>G]GAATCTTTGAAATTGCCTGGGGTCTATGAAGTCTTATTTTATAATGAAACTGAAGATTGC-3'

ClinVar aggregate classification (germline): Likely pathogenic (1 of 4 stars; one submission).

Conditions:
Cohen syndrome (COH1). Also called: PEPPER SYNDROME; Cutis verticis gyrata, retinitis pigmentosa, and sensorineural deafness. Identifiers: Orphanet 193, MedGen C0265223, MONDO:0008999, OMIM 216550.

Submission:

Natera, Inc.
Classification: Likely pathogenic for Cohen syndrome. Last evaluated: 2025-04-14. Review status: criteria provided, single submitter. Criteria: Natera Variant Classification Schema (03/2026). Collection method: clinical testing. Allele origin: germline.
Comment: The c.6941-2A>G variant in VPS13B is a canonical splice acceptor site variant predicted to affect pre-mRNA splicing, which may result in an abnormal transcript and altered protein product. This variant is expected to result in nonsense mediated decay, truncation, or a dysfunctional protein product. This variant is rare in the general population with a frequency below the threshold expected for the associated phenotype(s). Given the available evidence, this variant is classified as Likely Pathogenic.